The following is an entry in ClinVar:

ClinVar aggregate classification (germline): Uncertain significance. Review status: criteria provided, multiple submitters, no conflicts (2 of 4 stars). 2 submissions from 2 submitters: Uncertain significance (2). Last evaluated 2024-11-12.

Conditions:
Dilated cardiomyopathy 1G (CMD1G). Identifiers: Orphanet 154, MedGen C1858763, MONDO:0011400, OMIM 604145.
Autosomal recessive limb-girdle muscular dystrophy type 2J (LGMDR10). Also called: Limb-girdle muscular dystrophy, type 2J; MUSCULAR DYSTROPHY, LIMB-GIRDLE, AUTOSOMAL RECESSIVE 10. Identifiers: Orphanet 140922, MedGen C1837342, MONDO:0012127, OMIM 608807.

Allele frequency attached by ClinVar (database versions not stated): TOPMed 0.00001.
gnomAD v4.1: 8 of 1,612,114 alleles (0.0005%); highest among the groups gnomAD compares: African/African-American, 0.0027%; no homozygotes.

Submissions (2):

GeneDx
Classification: Uncertain significance. Last evaluated: 2024-11-12. Review status: criteria provided, single submitter. Criteria: GeneDx Variant Classification Process June 2021. Collection method: clinical testing. Allele origin: germline. Affected: yes.
Comment: Not observed at significant frequency in large population cohorts (gnomAD); Missense variant in a gene in which most reported pathogenic variants are truncating/loss of function; Has not been previously published as pathogenic or benign to our knowledge

Labcorp Genetics (formerly Invitae), Labcorp
Classification: Uncertain significance for Dilated cardiomyopathy 1G; Autosomal recessive limb-girdle muscular dystrophy type 2J. Last evaluated: 2016-11-26. Review status: criteria provided, single submitter. Criteria: Invitae Variant Classification Sherloc (09022015). Collection method: clinical testing. Allele origin: germline.

NM_001267550.2(TTN):c.36035G>A (p.Arg12012His)

Gene: TTN (titin; minus strand). Cytogenetic location: 2q31.2.
Variant type: single nucleotide variant.
Coding change: c.36035G>A on transcript NM_001267550.2 (MANE Select); coding-DNA position 36035, G replaced by A.
Protein change: p.Arg12012His; replaces arginine 12012 with histidine.
Molecular consequence: missense variant. On other transcripts: intron variant (5).
Genome position (GRCh38, 1-based): chr2:178,665,385, C>T on the plus strand (G>A on the coding strand, the complement: TTN is on the minus strand). VCF-style: chr2-178665385-C-T. GRCh37 (hg19) VCF-style: chr2-179530112-C-T.
Other names: c.13283-23068G>A (NM_003319.4); c.13859-23068G>A (NM_133437.4); c.13658-23068G>A (NM_133432.3); c.31484-2330G>A (NM_133378.4); c.34265-2330G>A (NM_001256850.1); c.36035G>A (NM_001267550.1); short protein forms R12012H.
Identifiers: ClinVar variation 404804 (VCV000404804.4), dbSNP rs576436744, ClinGen allele CA1997686.